The following is an entry in ClinVar:

NM_004944.4(DNASE1L3):c.645G>C (p.Trp215Cys)

Gene: DNASE1L3 (deoxyribonuclease 1L3; minus strand). Cytogenetic location: 3p14.3.
Variant type: single nucleotide variant.
Coding change: c.645G>C on transcript NM_004944.4 (MANE Select); coding-DNA position 645, G replaced by C.
Protein change: p.Trp215Cys; replaces tryptophan 215 with cysteine.
Molecular consequence: missense variant.
Genome position (GRCh38, 1-based): chr3:58,197,880, C>G on the plus strand (G>C on the coding strand, the complement: DNASE1L3 is on the minus strand). VCF-style: chr3-58197880-C-G. GRCh37 (hg19) VCF-style: chr3-58183607-C-G.
Other names: c.555G>C, p.Trp185Cys (NM_001256560.2); short protein forms W185C, W215C.
Identifiers: ClinVar variation 4853193 (VCV004853193.1).
Genomic context (GRCh38, chr3:58,197,880, plus strand): 5'-CCTGTCATATGCACAGTTGGTGCTCTTCTTCACCGTGGTGTCCTCTTGGTCCCCGATCAG[C>G]CAAACAAACCTGGGGTCAGTCCTCAAGCGGATGTTCTTCCAGGCCTTCTTGGGGACGTAG-3'
Protein context (NP_004935.1, residues 205-225): IRLRTDPRFV[Trp215Cys]LIGDQEDTTV

ClinVar aggregate classification (germline): Uncertain significance (1 of 4 stars; one submission).

Submission:

Women's Health and Genetics/Laboratory Corporation of America, LabCorp
Classification: Uncertain significance. Last evaluated: 2026-05-12. Review status: criteria provided, single submitter. Criteria: LabCorp Variant Classification Summary - May 2015. Collection method: clinical testing. Allele origin: germline.
Comment: Variant summary: DNASE1L3 c.645G>C (p.Trp215Cys) results in a non-conservative amino acid change in the encoded protein sequence. Algorithms developed to predict the effect of missense changes on protein structure and function all suggest that this variant is likely to be disruptive. The variant was absent in 251456 control chromosomes. The available data on variant occurrences in the general population are insufficient to allow any conclusion about variant significance. To our knowledge, no occurrence of c.645G>C in individuals affected with DNASE1L3-related conditions and no experimental evidence demonstrating its impact on protein function have been reported. No submitters have cited clinical-significance assessments for this variant to ClinVar. Based on the evidence outlined above, the variant was classified as uncertain significance.